The following is an entry in ClinVar:

ClinVar aggregate classification (germline): Uncertain significance (1 of 4 stars; one submission).

gnomAD v4.1: 2 of 1,612,332 alleles (0.00012%); highest among the groups gnomAD compares: Non-Finnish European, 0.00017%; no homozygotes.

Submission:

Labcorp Genetics (formerly Invitae), Labcorp
Classification: Uncertain significance. Last evaluated: 2025-09-07. Review status: criteria provided, single submitter. Criteria: Invitae Variant Classification Sherloc (09022015). Collection method: clinical testing. Allele origin: germline.
Comment: This sequence change replaces serine, which is neutral and polar, with tyrosine, which is neutral and polar, at codon 1767 of the HIVEP2 protein (p.Ser1767Tyr). This variant is not present in population databases (gnomAD no frequency). This variant has not been reported in the literature in individuals affected with HIVEP2-related conditions. Invitae Evidence Modeling of protein sequence and biophysical properties (such as structural, functional, and spatial information, amino acid conservation, physicochemical variation, residue mobility, and thermodynamic stability) indicates that this missense variant is not expected to disrupt HIVEP2 protein function with a negative predictive value of 80%. In summary, the available evidence is currently insufficient to determine the role of this variant in disease. Therefore, it has been classified as a Variant of Uncertain Significance.

NM_006734.4(HIVEP2):c.5300C>A (p.Ser1767Tyr)

Gene: HIVEP2 (HIVEP zinc finger 2; minus strand). Cytogenetic location: 6q24.2.
Variant type: single nucleotide variant.
Coding change: c.5300C>A on transcript NM_006734.4 (MANE Select); coding-DNA position 5300, C replaced by A.
Protein change: p.Ser1767Tyr; replaces serine 1767 with tyrosine.
Molecular consequence: missense variant.
Genome position (GRCh38, 1-based): chr6:142,768,424, G>T on the plus strand (C>A on the coding strand, the complement: HIVEP2 is on the minus strand). VCF-style: chr6-142768424-G-T. GRCh37 (hg19) VCF-style: chr6-143089561-G-T.
Other names: c.5300C>A, p.Ser1767Tyr (NM_001438449.1, NM_001438450.1, NM_001438451.1); short protein forms S1767Y.
Identifiers: ClinVar variation 4806442 (VCV004806442.1).
Genomic context (GRCh38, chr6:142,768,424, plus strand): 5'-TGCACTTTGTTTCCTTACCCTCCTTCAAATATTTTAATTCGGATTGGCTCAGTTTGTTTG[G>T]ATCCAATATCTTTATCTCCATGAATATCTCCTTTCCCTCTTTCCTTTAAGATATTTCCCA-3'
Protein context (NP_006725.3, residues 1757-1777): GDIHGDKDIG[Ser1767Tyr]KQTEPIRIKI